The following is an entry in ClinVar:

ClinVar aggregate classification (germline): Pathogenic. Review status: criteria provided, multiple submitters, no conflicts (2 of 4 stars). 3 submissions from 3 submitters: Pathogenic (3). Last evaluated 2025-06-18.

Conditions:
CRYBB2-related disorder. Also called: CRYBB2-related condition.
Cataract 3 multiple types. Also called: CATARACT 3, MULTIPLE TYPES, WITH OR WITHOUT MICROCORNEA. Identifiers: Orphanet 1377, MedGen C1832175, MONDO:0011104, OMIM 601547.

Submissions (3):

PreventionGenetics, part of Exact Sciences
Classification: Pathogenic for CRYBB2-related condition. Last evaluated: 2025-06-18. Review status: criteria provided, single submitter. Criteria: ACMG Guidelines, 2015. Collection method: clinical testing. Allele origin: germline.
Comment: The CRYBB2 c.563G>A variant is predicted to result in the amino acid substitution p.Arg188His. This variant has been reported as segregating in two large unrelated family with congenital cataracts (Weisschuh et al. 2012. PubMed ID: 22312185; Xu et al. 2020. PubMed ID: 32498547). Functional analysis showed that this variant promoted protein aggregation and fibrillization (Xi et al. 2014. PubMed ID: 24704203). This variant has not been reported in a large population database (gnomAD), indicating this variant is rare. Of note, other variants impacting the same amino acid (p.Arg188Cys and p.Arg188Leu) have also been reported in patients with cataract phenotypes (Yu et al. 2021. PubMed ID: 33594837; Javadiyan et al. 2017. PubMed ID: 28839118). Based on this evidence, we interpret the c.563G>A (p.Arg188His) variant as pathogenic.

GeneDx
Classification: Pathogenic. Last evaluated: 2025-05-17. Review status: criteria provided, single submitter. Criteria: GeneDx Variant Classification Process June 2021. Collection method: clinical testing. Allele origin: germline. Affected: yes.
Comment: Not observed at significant frequency in large population cohorts (gnomAD); In silico analysis supports that this missense variant has a deleterious effect on protein structure/function; This variant is associated with the following publications: (PMID: 24704203, 32498547, 24120835, 22312185)

Labcorp Genetics (formerly Invitae), Labcorp
Classification: Pathogenic for Cataract 3 multiple types. Last evaluated: 2023-10-03. Review status: criteria provided, single submitter. Criteria: Invitae Variant Classification Sherloc (09022015). Collection method: clinical testing. Allele origin: germline.
Comment: This sequence change replaces arginine, which is basic and polar, with histidine, which is basic and polar, at codon 188 of the CRYBB2 protein (p.Arg188His). This variant is not present in population databases (gnomAD no frequency). This missense change has been observed in individuals with nonsyndromic congenital cataract (PMID: 22312185, 32498547). It has also been observed to segregate with disease in related individuals. ClinVar contains an entry for this variant (Variation ID: 280142). An algorithm developed to predict the effect of missense changes on protein structure and function (PolyPhen-2) suggests that this variant is likely to be disruptive. Experimental studies have shown that this missense change affects CRYBB2 function (PMID: 24120835, 24704203). For these reasons, this variant has been classified as Pathogenic.

Literature cited by the submitters: PubMed 22312185 (cited by Labcorp Genetics (formerly Invitae), Labcorp); PubMed 32498547 (cited by Labcorp Genetics (formerly Invitae), Labcorp); PubMed 24120835 (cited by Labcorp Genetics (formerly Invitae), Labcorp); PubMed 24704203 (cited by Labcorp Genetics (formerly Invitae), Labcorp).

NM_000496.3(CRYBB2):c.563G>A (p.Arg188His)

Gene: CRYBB2 (crystallin beta B2; plus strand). Cytogenetic location: 22q11.23.
Variant type: single nucleotide variant.
Coding change: c.563G>A on transcript NM_000496.3 (MANE Select); coding-DNA position 563, G replaced by A.
Protein change: p.Arg188His; replaces arginine 188 with histidine.
Molecular consequence: missense variant.
Genome position (GRCh38, 1-based): chr22:25,231,717, G>A. VCF-style: chr22-25231717-G-A. GRCh37 (hg19) VCF-style: chr22-25627684-G-A.
Other names: short protein forms R188H.
Identifiers: ClinVar variation 280142 (VCV000280142.13), dbSNP rs886041410, ClinGen allele CA10603566.